The following is an entry in ClinVar:

NM_004795.4(KL):c.2986T>C (p.Ser996Pro)

Gene: KL (klotho; plus strand). Cytogenetic location: 13q13.1.
Variant type: single nucleotide variant.
Coding change: c.2986T>C on transcript NM_004795.4 (MANE Select); coding-DNA position 2986, T replaced by C.
Protein change: p.Ser996Pro; replaces serine 996 with proline.
Molecular consequence: missense variant.
Genome position (GRCh38, 1-based): chr13:33,064,133, T>C. VCF-style: chr13-33064133-T-C. GRCh37 (hg19) VCF-style: chr13-33638270-T-C.
Other names: short protein forms S996P.
Identifiers: ClinVar variation 2784776 (VCV002784776.3), dbSNP rs2501797688, ClinGen allele CA387800939.

ClinVar aggregate classification (germline): Uncertain significance (1 of 4 stars; one submission).

Allele frequency attached by ClinVar (database versions not stated): gnomAD exomes below 0.00001.
gnomAD v4.1: 1 of 1,613,308 alleles (0.000062%); highest among the groups gnomAD compares: Non-Finnish European, 0.000085%; no homozygotes.

Submission:

Labcorp Genetics (formerly Invitae), Labcorp
Classification: Uncertain significance. Last evaluated: 2025-10-02. Review status: criteria provided, single submitter. Criteria: Invitae Variant Classification Sherloc (09022015). Collection method: clinical testing. Allele origin: germline.
Comment: This sequence change replaces serine, which is neutral and polar, with proline, which is neutral and non-polar, at codon 996 of the KL protein (p.Ser996Pro). This variant is not present in population databases (gnomAD no frequency). This variant has not been reported in the literature in individuals affected with KL-related conditions. ClinVar contains an entry for this variant (Variation ID: 2784776). Invitae Evidence Modeling of protein sequence and biophysical properties (such as structural, functional, and spatial information, amino acid conservation, physicochemical variation, residue mobility, and thermodynamic stability) indicates that this missense variant is not expected to disrupt KL protein function with a negative predictive value of 80%. In summary, the available evidence is currently insufficient to determine the role of this variant in disease. Therefore, it has been classified as a Variant of Uncertain Significance.